The following is an entry in ClinVar:

ClinVar aggregate classification (germline): Uncertain significance (1 of 4 stars; one submission).

Submission:

Labcorp Genetics (formerly Invitae), Labcorp
Classification: Uncertain significance. Last evaluated: 2025-02-11. Review status: criteria provided, single submitter. Criteria: Invitae Variant Classification Sherloc (09022015). Collection method: clinical testing. Allele origin: germline.
Comment: This variant, c.105_116dup, results in the insertion of 4 amino acid(s) of the ATP6AP1 protein (p.Ala38_Ala41dup), but otherwise preserves the integrity of the reading frame. This variant is not present in population databases (gnomAD no frequency). This variant has not been reported in the literature in individuals affected with ATP6AP1-related conditions. In summary, the available evidence is currently insufficient to determine the role of this variant in disease. Therefore, it has been classified as a Variant of Uncertain Significance.

NM_001183.6(ATP6AP1):c.96GGC[11] (p.Ala41_Glu42insAlaAlaAlaAla)

Gene: ATP6AP1 (ATPase H+ transporting accessory protein 1; plus strand). Cytogenetic location: Xq28.
Variant type: Microsatellite.
Coding change: c.96GGC[11] on transcript NM_001183.6 (MANE Select); 11 copies in a row of the 3-base unit GGC starting at c.96; the reference has seven copies in a row; four copies, 12 bases duplicated.
Protein change: p.Ala41_Glu42insAlaAlaAlaAla.
Genome position (GRCh38, 1-based): chrX:154,428,797-154,428,808, GGCGGCGGCGGC duplicated; duplicating any 12 consecutive bases within chrX:154,428,788-154,428,808 gives the same sequence; the position shown is the placement nearest the transcript's 3' end. VCF-style (leftmost placement, unchanged base first): chrX-154428787-T-TGGCGGCGGCGGC. GRCh37 (hg19) VCF-style: chrX-153657133-T-TGGCGGCGGCGGC.
Identifiers: ClinVar variation 4761605 (VCV004761605.1).
Genomic context (GRCh38, chrX:154,428,787, plus strand): 5'-TGGGGCCGCGGTGCGCCCAGGCGCTCTGGCGCATGCCGTGGCTGCCGGTGTTTTTGTCGT[T>TGGCGGCGGCGGC]GGCGGCGGCGGCGGCGGCGGCAGCGGCGGAGCAGCAGGTCCCGCTGGTGCTGTGGTCGAG-3'